The following is an entry in ClinVar:

NM_181486.4(TBX5):c.421_443delinsCCAGGA (p.Ser141fs)

Gene: TBX5 (T-box transcription factor 5; minus strand). Cytogenetic location: 12q24.21.
Variant type: Indel.
Coding change: c.421_443delinsCCAGGA on transcript NM_181486.4 (MANE Select); coding-DNA positions 421 to 443, TCCCCCGCCACCGGGGCGCATTG replaced by CCAGGA.
Protein change: p.Ser141fs; shifts the reading frame from serine 141.
Molecular consequence: frameshift variant.
Genome position (GRCh38, 1-based): chr12:114,398,640-114,398,662, CAATGCGCCCCGGTGGCGGGGGA replaced by TCCTGG on the plus strand (TCCCCCGCCACCGGGGCGCATTG replaced by CCAGGA on the coding strand, the reverse complement: TBX5 is on the minus strand). VCF-style: chr12-114398640-CAATGCGCCCCGGTGGCGGGGGA-TCCTGG. GRCh37 (hg19) VCF-style: chr12-114836445-CAATGCGCCCCGGTGGCGGGGGA-TCCTGG.
Other names: c.421_443delinsCCAGGA, p.Ser141fs (NM_000192.3); c.271_293delinsCCAGGA, p.Ser91fs (NM_080717.4); short protein forms S141fs, S91fs.
Identifiers: ClinVar variation 213828 (VCV000213828.1), dbSNP rs863223784, ClinGen allele CA324506.
Genomic context (GRCh38, chr12:114,398,640, plus strand): 5'-AATGGGTCCAGGTGGTTGTTGGTGAGCTTGAGTTTCTGGAAGGAGACGAGCTGCCTCATC[CAATGCGCCCCGGTGGCGGGGGA>TCCTGG]GTCTGGGTGCACGTACAGGCGGCCAGGCATGGCGGGCTCAGCTTTGCCCGTCACAGACCT-3'

ClinVar aggregate classification (germline): Pathogenic (1 of 4 stars; one submission).

Submission:

GeneDx
Classification: Pathogenic. Last evaluated: 2016-08-04. Review status: criteria provided, single submitter. Criteria: GeneDx Variant Classification (06012015). Collection method: clinical testing. Allele origin: germline. Affected: yes.
Comment: The c.421_443delTCCCCCGCCACCGGGGCGCATTGinsCCAGGA pathogenic variant in the TBX5 gene causes a frameshift starting with codon Serine 141, changes this amino acid to a Proline residue and creates a premature Stop codon at position 36 of the new reading frame, denoted p.S141PfsX36. This pathogenic variant is predicted to cause loss of normal protein function either through protein truncation or nonsense-mediated mRNA decay. Although this pathogenic varant has not been previously reported to our knowledge, its presence is consistent with a diagnosis of a TBX5-related disorder. This variant was found in TBX5